The following is an entry in ClinVar:

ClinVar aggregate classification (germline): Pathogenic (1 of 4 stars; one submission).

Conditions:
Neurofibromatosis, type 1 (NF1). Also called: NEUROFIBROMATOSIS, TYPE I, SOMATIC; Neurofibromatosis, type I; Peripheral type neurofibromatosis; VON RECKLINGHAUSEN DISEASE. Identifiers: Orphanet 636, MedGen C0027831, MONDO:0018975, OMIM 162200. Disease mechanism: loss of function.

Submission:

Labcorp Genetics (formerly Invitae), Labcorp
Classification: Pathogenic for Neurofibromatosis, type 1. Last evaluated: 2024-02-02. Review status: criteria provided, single submitter. Criteria: Invitae Variant Classification Sherloc (09022015). Collection method: clinical testing. Allele origin: germline.
Comment: This sequence change creates a premature translational stop signal (p.Ser2565Hisfs*38) in the NF1 gene. It is expected to result in an absent or disrupted protein product. Loss-of-function variants in NF1 are known to be pathogenic (PMID: 10712197, 23913538). This variant is not present in population databases (gnomAD no frequency). This variant has not been reported in the literature in individuals affected with NF1-related conditions. For these reasons, this variant has been classified as Pathogenic.

Literature cited by the submitters: PubMed 10712197; PubMed 23913538.

NM_001042492.3(NF1):c.7755del (p.Ser2586fs)

Gene: NF1 (neurofibromin 1; plus strand). Cytogenetic location: 17q11.2.
Variant type: Deletion.
Coding change: c.7755del on transcript NM_001042492.3 (MANE Select); coding-DNA position 7755, one base deleted (C; older notation c.7755delC).
Protein change: p.Ser2586fs; shifts the reading frame from serine 2586.
Molecular consequence: frameshift variant.
Genome position (GRCh38, 1-based): chr17:31,356,976, C deleted; the last of 2 consecutive C bases (chr17:31,356,975-31,356,976); deleting either gives the same sequence. VCF-style (leftmost placement, unchanged base first): chr17-31356974-TC-T. GRCh37 (hg19) VCF-style: chr17-29683992-TC-T.
Other names: c.7692delC, p.Ser2565Hisfs (NM_000267.4); short protein forms S2565fs, S2586fs.
Identifiers: ClinVar variation 3000872 (VCV003000872.3), dbSNP rs2508827139, ClinGen allele CA2740095320.